The following is an entry in ClinVar:

ClinVar aggregate classification (germline): Benign/Likely benign. Review status: criteria provided, multiple submitters, no conflicts (2 of 4 stars). 2 submissions from 2 submitters: Benign (1); Likely benign (1). Last evaluated 2024-11-20.

Submissions (2):

Mayo Clinic Laboratories, Mayo Clinic
Classification: Benign. Last evaluated: 2024-11-20. Review status: criteria provided, single submitter. Criteria: ACMG Guidelines, 2015. Collection method: clinical testing. Allele origin: germline. Observed: 7 variant alleles.
Comment: BS1, BS2, BP4, BP7

Blueprint Genetics
Classification: Likely benign. Last evaluated: 2024-11-11. Review status: criteria provided, single submitter. Criteria: ACMG Guidelines, 2015. Collection method: clinical testing. Allele origin: germline.

NM_002887.4(RARS1):c.1873+31_1873+33dup

Gene: RARS1 (arginyl-tRNA synthetase 1; plus strand). Cytogenetic location: 5q34.
Variant type: Duplication.
Coding change: c.1873+31_1873+33dup on transcript NM_002887.4 (MANE Select); bases 31 to 33 of the intron after coding-DNA position 1873, 3 bases duplicated (TTT; older notation c.1873+31_1873+33dupTTT).
Molecular consequence: intron variant.
Genome position (GRCh38, 1-based): chr5:168,518,093-168,518,095, TTT duplicated; duplicating any 3 consecutive bases within chr5:168,518,072-168,518,095 gives the same sequence; the c. name uses the placement nearest the transcript's 3' end. VCF-style (leftmost placement, unchanged base first): chr5-168518071-C-CTTT. GRCh37 (hg19) VCF-style: chr5-167945076-C-CTTT.
Other names: p.?.
Identifiers: ClinVar variation 4684885 (VCV004684885.2).